The following is an entry in ClinVar:

NM_198576.4(AGRN):c.5353G>A (p.Asp1785Asn)

Gene: AGRN (agrin; plus strand). Cytogenetic location: 1p36.33.
Variant type: single nucleotide variant.
Coding change: c.5353G>A on transcript NM_198576.4 (MANE Select); coding-DNA position 5353, G replaced by A.
Protein change: p.Asp1785Asn; replaces aspartic acid 1785 with asparagine.
Molecular consequence: missense variant.
Genome position (GRCh38, 1-based): chr1:1,051,352, G>A. VCF-style: chr1-1051352-G-A. GRCh37 (hg19) VCF-style: chr1-986732-G-A.
Other names: p.Asp1785Asn; c.5365G>A, p.Asp1789Asn (NM_001305275.2); c.5050G>A, p.Asp1684Asn (NM_001364727.2); c.5353G>A (LRG_198t1); short protein forms D1785N, D1684N, D1789N.
Identifiers: ClinVar variation 128314 (VCV000128314.41), dbSNP rs144245019, ClinGen allele CA230859.

ClinVar aggregate classification (germline): Conflicting classifications of pathogenicity. Review status: criteria provided, conflicting classifications (1 of 4 stars). 7 submissions from 7 submitters: Uncertain significance (1); Benign (5); Likely benign (1). Last evaluated 2026-02-01.

Conditions:
Congenital myasthenic syndrome 8. Also called: MYASTHENIC SYNDROME, CONGENITAL, DUE TO AGRIN DEFICIENCY; Myasthenic syndrome, congenital, 8, with pre- and postsynaptic defects. Identifiers: Orphanet 590, MedGen C3808739, MONDO:0014052, OMIM 615120.

Allele frequency attached by ClinVar (database versions not stated): 1000 Genomes Project 0.00180; 1000 Genomes Project 30x 0.00203; gnomAD 0.00636; TOPMed 0.00756; ESP Exome Variant Server 0.00847.
gnomAD v4.1: 14,889 of 1,566,410 alleles (0.95%); highest among the groups gnomAD compares: Non-Finnish European, 1.2%; 87 homozygotes.

Submissions (7):

Labcorp Genetics (formerly Invitae), Labcorp
Classification: Benign for Congenital myasthenic syndrome 8. Last evaluated: 2026-02-01. Review status: criteria provided, single submitter. Criteria: Invitae Variant Classification Sherloc (09022015). Collection method: clinical testing. Allele origin: germline.

CeGaT Center for Human Genetics Tuebingen
Classification: Benign. Last evaluated: 2026-01-01. Review status: criteria provided, single submitter. Criteria: CeGaT Center For Human Genetics Tuebingen Variant Classification Criteria Version 2. Collection method: clinical testing. Allele origin: germline. Affected: yes. Observed: 6 variant alleles.
Comment: AGRN: BP4, BS1, BS2

Blueprint Genetics
Classification: Likely benign. Last evaluated: 2024-11-25. Review status: criteria provided, single submitter. Criteria: ACMG Guidelines, 2015. Collection method: clinical testing. Allele origin: germline.

Mayo Clinic Laboratories, Mayo Clinic
Classification: Benign. Last evaluated: 2023-03-15. Review status: criteria provided, single submitter. Criteria: ACMG Guidelines, 2015. Collection method: clinical testing. Allele origin: germline. Observed: 8 variant alleles.
Comment: BS1, BS2, BP4

GeneDx
Classification: Benign. Last evaluated: 2018-02-18. Review status: criteria provided, single submitter. Criteria: GeneDx Variant Classification (06012015). Collection method: clinical testing. Allele origin: germline. Affected: yes.
Comment: This variant is considered likely benign or benign based on one or more of the following criteria: it is a conservative change, it occurs at a poorly conserved position in the protein, it is predicted to be benign by multiple in silico algorithms, and/or has population frequency not consistent with disease.

Genetic Services Laboratory, University of Chicago
Classification: Uncertain significance. Last evaluated: 2013-08-23. Review status: criteria provided, single submitter. Criteria: ACMG Guidelines, 2007. Collection method: clinical testing. Allele origin: germline. Inheritance: Autosomal recessive inheritance.

PreventionGenetics, part of Exact Sciences
Classification: Benign. Review status: criteria provided, single submitter. Criteria: ACMG Guidelines, 2015. Collection method: clinical testing. Allele origin: germline.